The following is an entry in ClinVar:

ClinVar aggregate classification (germline): Uncertain significance (1 of 4 stars; one submission).

Conditions:
Hereditary cancer-predisposing syndrome. Also called: Neoplastic Syndromes, Hereditary; Tumor predisposition; Hereditary neoplastic syndrome; Hereditary Cancer Syndrome. Identifiers: Orphanet 140162, MedGen C0027672, MeSH D009386, MONDO:0015356.

Submission:

Ambry Genetics
Classification: Uncertain significance for Hereditary cancer-predisposing syndrome. Last evaluated: 2023-12-07. Review status: criteria provided, single submitter. Criteria: Ambry Variant Classification Scheme 2023. Collection method: clinical testing. Allele origin: germline.
Comment: The p.A283D variant (also known as c.848C>A), located in coding exon 7 of the TSC1 gene, results from a C to A substitution at nucleotide position 848. The alanine at codon 283 is replaced by aspartic acid, an amino acid with dissimilar properties. This amino acid position is conserved. In addition, the in silico prediction for this alteration is inconclusive. Since supporting evidence is limited at this time, the clinical significance of this alteration remains unclear.

NM_000368.5(TSC1):c.848C>A (p.Ala283Asp)

Gene: TSC1 (TSC complex subunit 1; minus strand). Cytogenetic location: 9q34.13.
Variant type: single nucleotide variant.
Coding change: c.848C>A on transcript NM_000368.5 (MANE Select); coding-DNA position 848, C replaced by A.
Protein change: p.Ala283Asp; replaces alanine 283 with aspartic acid.
Molecular consequence: missense variant. On other transcripts: 5 prime UTR variant (5), non-coding transcript variant (5).
Genome position (GRCh38, 1-based): chr9:132,912,347, G>T on the plus strand (C>A on the coding strand, the complement: TSC1 is on the minus strand). VCF-style: chr9-132912347-G-T. GRCh37 (hg19) VCF-style: chr9-135787734-G-T.
Other names: c.848C>A, p.Ala283Asp (NM_001162426.2, NM_001406592.1, NM_001406593.1 and 16 more transcripts); c.695C>A, p.Ala232Asp (NM_001162427.2, NM_001406610.1, NM_001406611.1 and 2 more transcripts); c.485C>A, p.Ala162Asp (NM_001362177.2, NM_001406614.1, NM_001406615.1 and 10 more transcripts); c.-104C>A (NM_001406626.1, NM_001406627.1, NM_001406628.1); c.-246C>A (NM_001406629.1, NM_001406630.1); short protein forms A162D, A232D, A283D.
Identifiers: ClinVar variation 3231335 (VCV003231335.1), dbSNP rs1554817613, ClinGen allele CA375369253.